The following is an entry in ClinVar:

NM_021116.4(ADCY1):c.1990C>T (p.Pro664Ser)

Gene: ADCY1 (adenylate cyclase 1; plus strand). Cytogenetic location: 7p12.3.
Variant type: single nucleotide variant.
Coding change: c.1990C>T on transcript NM_021116.4 (MANE Select); coding-DNA position 1990, C replaced by T.
Protein change: p.Pro664Ser; replaces proline 664 with serine.
Molecular consequence: missense variant.
Genome position (GRCh38, 1-based): chr7:45,684,985, C>T. VCF-style: chr7-45684985-C-T. GRCh37 (hg19) VCF-style: chr7-45724584-C-T.
Other names: short protein forms P664S.
Identifiers: ClinVar variation 2993011 (VCV002993011.3), dbSNP rs530909548, ClinGen allele CA4249120.

ClinVar aggregate classification (germline): Uncertain significance (1 of 4 stars; one submission).

Allele frequency attached by ClinVar (database versions not stated): gnomAD 0.00003; ExAC 0.00004; 1000 Genomes Project 30x 0.00016; 1000 Genomes Project 0.00020.
gnomAD v4.1: 47 of 1,613,896 alleles (0.0029%); highest among the groups gnomAD compares: South Asian, 0.052%; no homozygotes.

Submission:

Labcorp Genetics (formerly Invitae), Labcorp
Classification: Uncertain significance. Last evaluated: 2023-10-05. Review status: criteria provided, single submitter. Criteria: Invitae Variant Classification Sherloc (09022015). Collection method: clinical testing. Allele origin: germline.
Comment: This sequence change replaces proline, which is neutral and non-polar, with serine, which is neutral and polar, at codon 664 of the ADCY1 protein (p.Pro664Ser). This variant is present in population databases (rs530909548, gnomAD 0.03%). This variant has not been reported in the literature in individuals affected with ADCY1-related conditions. Advanced modeling of protein sequence and biophysical properties (such as structural, functional, and spatial information, amino acid conservation, physicochemical variation, residue mobility, and thermodynamic stability) performed at Invitae indicates that this missense variant is not expected to disrupt ADCY1 protein function. In summary, the available evidence is currently insufficient to determine the role of this variant in disease. Therefore, it has been classified as a Variant of Uncertain Significance.